The following is an entry in ClinVar:

ClinVar aggregate classification (germline): Conflicting classifications of pathogenicity. Review status: criteria provided, conflicting classifications (1 of 4 stars). 2 submissions from 2 submitters: Likely pathogenic (1); Uncertain significance (1). Last evaluated 2026-09-01.

Submissions (2):

CeGaT Center for Human Genetics Tuebingen
Classification: Likely pathogenic. Last evaluated: 2026-09-01. Review status: criteria provided, single submitter. Criteria: CeGaT Center For Human Genetics Tuebingen Variant Classification Criteria Version 2. Collection method: clinical testing. Allele origin: germline. Affected: yes. Observed: 2 variant alleles.
Comment: SH2D1A: PM2, PP4:Moderate, PP1, PP3

Blueprint Genetics
Classification: Uncertain significance. Last evaluated: 2024-10-04. Review status: criteria provided, single submitter. Criteria: ACMG Guidelines, 2015. Collection method: clinical testing. Allele origin: germline.

NM_002351.5(SH2D1A):c.290C>T (p.Pro97Leu)

Gene: SH2D1A (SH2 domain containing 1A; plus strand). Cytogenetic location: Xq25.
Variant type: single nucleotide variant.
Coding change: c.290C>T on transcript NM_002351.5 (MANE Select); coding-DNA position 290, C replaced by T.
Protein change: p.Pro97Leu; replaces proline 97 with leucine.
Molecular consequence: missense variant.
Genome position (GRCh38, 1-based): chrX:124,370,264, C>T. VCF-style: chrX-124370264-C-T. GRCh37 (hg19) VCF-style: chrX-123504114-C-T.
Other names: c.290C>T, p.Pro97Leu (NM_001114937.3); short protein forms P97L.
Identifiers: ClinVar variation 4874446 (VCV004874446.3).